The following is an entry in ClinVar:

NM_006612.6(KIF1C):c.2726C>A (p.Pro909Gln)

Gene: KIF1C (kinesin family member 1C; plus strand). Cytogenetic location: 17p13.2.
Variant type: single nucleotide variant.
Coding change: c.2726C>A on transcript NM_006612.6 (MANE Select); coding-DNA position 2726, C replaced by A.
Protein change: p.Pro909Gln; replaces proline 909 with glutamine.
Molecular consequence: missense variant.
Genome position (GRCh38, 1-based): chr17:5,023,565, C>A. VCF-style: chr17-5023565-C-A. GRCh37 (hg19) VCF-style: chr17-4926860-C-A.
Other names: p.Pro909Gln; short protein forms P909Q.
Identifiers: ClinVar variation 383663 (VCV000383663.18), dbSNP rs78970955, ClinGen allele CA8319370.

ClinVar aggregate classification (germline): Benign. Review status: criteria provided, multiple submitters, no conflicts (2 of 4 stars). 5 submissions from 5 submitters: Benign (5). Last evaluated 2026-02-03.

Conditions:
Spastic ataxia 2. Also called: Ataxia, spastic, 2, autosomal recessive. Identifiers: Orphanet 397946, MedGen C1969796, MONDO:0012651, OMIM 611302.
Hereditary spastic paraplegia. Also called: Familial spastic paraparesis. Identifiers: Orphanet 685, MedGen C0037773, MONDO:0019064. Disease mechanism: loss of function.

Allele frequency attached by ClinVar (database versions not stated): ExAC 0.01020; TOPMed 0.03211; ESP Exome Variant Server 0.03360; 1000 Genomes Project 0.03435; 1000 Genomes Project 30x 0.03779.
gnomAD v4.1: 8,705 of 1,613,566 alleles (0.54%); highest among the groups gnomAD compares: African/African-American, 10%; 402 homozygotes.

Submissions (5):

Labcorp Genetics (formerly Invitae), Labcorp
Classification: Benign for Spastic ataxia 2. Last evaluated: 2026-02-03. Review status: criteria provided, single submitter. Criteria: Invitae Variant Classification Sherloc (09022015). Collection method: clinical testing. Allele origin: germline.

Mayo Clinic Laboratories, Mayo Clinic
Classification: Benign. Last evaluated: 2022-03-24. Review status: criteria provided, single submitter. Criteria: ACMG Guidelines, 2015. Collection method: clinical testing. Allele origin: germline. Observed: 4 variant alleles.

Genome Diagnostics Laboratory, The Hospital for Sick Children
Classification: Benign for Hereditary spastic paraplegia. Last evaluated: 2021-05-14. Review status: criteria provided, single submitter. Criteria: ACMG Guidelines, 2015. Collection method: clinical testing. Allele origin: germline. Affected: yes.

GeneDx
Classification: Benign. Last evaluated: 2016-09-26. Review status: criteria provided, single submitter. Criteria: GeneDx Variant Classification (06012015). Collection method: clinical testing. Allele origin: germline. Affected: yes.
Comment: This variant is considered likely benign or benign based on one or more of the following criteria: it is a conservative change, it occurs at a poorly conserved position in the protein, it is predicted to be benign by multiple in silico algorithms, and/or has population frequency not consistent with disease.

Breakthrough Genomics
Classification: Benign. Review status: criteria provided, single submitter. Criteria: ACMG Guidelines, 2015. Collection method: not provided. Allele origin: germline. Inheritance: Autosomal recessive inheritance. Affected: yes.